The following is an entry in ClinVar:

NM_003742.4(ABCB11):c.1647C>T (p.Asp549=)

Gene: ABCB11 (ATP binding cassette subfamily B member 11; minus strand). Cytogenetic location: 2q31.1.
Variant type: single nucleotide variant.
Coding change: c.1647C>T on transcript NM_003742.4 (MANE Select); coding-DNA position 1647, C replaced by T.
Protein change: p.Asp549=; no amino-acid change (aspartic acid 549 retained).
Molecular consequence: synonymous variant.
Genome position (GRCh38, 1-based): chr2:168,970,207, G>A on the plus strand (C>T on the coding strand, the complement: ABCB11 is on the minus strand). VCF-style: chr2-168970207-G-A. GRCh37 (hg19) VCF-style: chr2-169826717-G-A.
Identifiers: ClinVar variation 894505 (VCV000894505.13), dbSNP rs1244153418, ClinGen allele CA429914471.

ClinVar aggregate classification (germline): Conflicting classifications of pathogenicity. Review status: criteria provided, conflicting classifications (1 of 4 stars). 3 submissions from 3 submitters: Uncertain significance (1); Likely benign (1). 1 of the submissions does not count toward it. Last evaluated 2023-10-15.

Conditions:
Progressive familial intrahepatic cholestasis type 2. Identifiers: Orphanet 79304, MedGen C3489789, MONDO:0011156, OMIM 601847.
ABCB11-related disorder. Also called: ABCB11-related condition.

Allele frequency attached by ClinVar (database versions not stated): gnomAD 0.00001; gnomAD exomes 0.00001; TOPMed 0.00002.
gnomAD v4.1: 48 of 1,611,312 alleles (0.003%); highest among the groups gnomAD compares: Non-Finnish European, 0.0037%; no homozygotes.

Submissions (3):

Labcorp Genetics (formerly Invitae), Labcorp
Classification: Likely benign. Last evaluated: 2023-10-15. Review status: criteria provided, single submitter. Criteria: Invitae Variant Classification Sherloc (09022015). Collection method: clinical testing. Allele origin: germline.

Illumina Laboratory Services, Illumina
Classification: Uncertain significance for Progressive familial intrahepatic cholestasis type 2. Last evaluated: 2018-01-12. Review status: criteria provided, single submitter. Criteria: ICSL Variant Classification Criteria 13 December 2019. Collection method: clinical testing. Allele origin: germline.

PreventionGenetics, part of Exact Sciences
Classification: Likely benign for ABCB11-related condition. Last evaluated: 2024-08-22. Review status: no assertion criteria provided. Collection method: clinical testing. Allele origin: germline. Not counted in ClinVar's aggregate classification.
Comment: This variant is classified as likely benign based on ACMG/AMP sequence variant interpretation guidelines (Richards et al. 2015 PMID: 25741868, with internal and published modifications).